The following is an entry in ClinVar:

ClinVar aggregate classification (germline): Pathogenic. Review status: criteria provided, multiple submitters, no conflicts (2 of 4 stars). 5 submissions from 5 submitters: Pathogenic (4). 1 of the submissions does not count toward it. Last evaluated 2025-12-24.

Conditions:
Arginase deficiency. Also called: ARGININEMIA; ARG1 DEFICIENCY; Arginase 1 Deficiency. Identifiers: Orphanet 90, MedGen C0268548, MONDO:0008814, OMIM 207800.

Allele frequency attached by ClinVar (database versions not stated): TOPMed 0.00002; gnomAD exomes 0.00001; gnomAD 0.00002; ExAC 0.00002; ESP Exome Variant Server 0.00008.
gnomAD v4.1: 14 of 1,613,980 alleles (0.00087%); highest among the groups gnomAD compares: African/African-American, 0.008%; no homozygotes.

Submissions (5):

Labcorp Genetics (formerly Invitae), Labcorp
Classification: Pathogenic for Arginase deficiency. Last evaluated: 2025-12-24. Review status: criteria provided, single submitter. Criteria: Invitae Variant Classification Sherloc (09022015). Collection method: clinical testing. Allele origin: germline.
Comment: This sequence change replaces arginine, which is basic and polar, with glutamine, which is neutral and polar, at codon 308 of the ARG1 protein (p.Arg308Gln). This variant is present in population databases (rs377280518, gnomAD 0.008%). This missense change has been observed in individual(s) with argininemia (PMID: 22959135). ClinVar contains an entry for this variant (Variation ID: 550679). An algorithm developed to predict the effect of missense changes on protein structure and function (PolyPhen-2) suggests that this variant is likely to be disruptive. For these reasons, this variant has been classified as Pathogenic.

Baylor Genetics
Classification: Pathogenic for Arginase deficiency. Last evaluated: 2024-03-26. Review status: criteria provided, single submitter. Criteria: ACMG Guidelines, 2015. Collection method: clinical testing. Allele origin: unknown.

Women's Health and Genetics/Laboratory Corporation of America, LabCorp
Classification: Pathogenic for Arginase deficiency. Last evaluated: 2023-08-03. Review status: criteria provided, single submitter. Criteria: LabCorp Variant Classification Summary - May 2015. Collection method: clinical testing. Allele origin: germline.
Comment: Variant summary: ARG1 c.923G>A (p.Arg308Gln) results in a conservative amino acid change in the encoded protein sequence. Four of five in-silico tools predict a damaging effect of the variant on protein function. The variant allele was found at a frequency of 8e-06 in 251066 control chromosomes. c.923G>A has been reported in the literature in multiple homozygous and compound heterozygous individuals affected with Arginase Deficiency (e.g., Carvalho_2012, Bakirtzis_2021). These data indicate that the variant is very likely to be associated with disease. To our knowledge, no experimental evidence demonstrating an impact on protein function has been reported. The following publications have been ascertained in the context of this evaluation (PMID: 34419780, 22959135). Three submitters have cited clinical-significance assessments for this variant to ClinVar after 2014; two submitters classified the variant as pathogenic and one classified it as a variant of uncertain signficance. Based on the evidence outlined above, the variant was classified as pathogenic.

Mendelics
Classification: Pathogenic for Arginase deficiency. Last evaluated: 2019-05-28. Review status: criteria provided, single submitter. Criteria: Mendelics Assertion Criteria 2017. Collection method: clinical testing. Allele origin: unknown.

Counsyl
Classification: Uncertain significance for Arginase deficiency. Last evaluated: 2017-02-08. Review status: no assertion criteria provided. Collection method: clinical testing. Allele origin: unknown. Not counted in ClinVar's aggregate classification.

Literature cited by the submitters: PubMed 22959135 (cited by 3 submitters); PubMed 34419780 (cited by Women's Health and Genetics/Laboratory Corporation of America, LabCorp); PubMed 24482476 (cited by Counsyl).

NM_000045.4(ARG1):c.923G>A (p.Arg308Gln)

Genes: ARG1 (arginase 1; plus strand), MED23 (mediator complex subunit 23; minus strand). Cytogenetic location: 6q23.2.
Variant type: single nucleotide variant.
Coding change: c.923G>A on transcript NM_000045.4 (MANE Select); coding-DNA position 923, G replaced by A.
Protein change: p.Arg308Gln; replaces arginine 308 with glutamine.
Molecular consequence: missense variant. On other transcripts: non-coding transcript variant (1), intron variant (2).
Genome position (GRCh38, 1-based): chr6:131,583,862, G>A. VCF-style: chr6-131583862-G-A. GRCh37 (hg19) VCF-style: chr6-131905002-G-A.
Other names: c.947G>A, p.Arg316Gln (NM_001244438.2); c.668G>A, p.Arg223Gln (NM_001369020.1); c.4077+3847C>T (NM_001270521.2); c.4095+3847C>T (NM_015979.4); short protein forms R308Q, R223Q, R316Q.
Identifiers: ClinVar variation 550679 (VCV000550679.16), dbSNP rs377280518, ClinGen allele CA3999410.
Genomic context (GRCh38, chr6:131,583,862, plus strand): 5'-AAGTAACTCGAACAGTGAACACAGCAGTTGCAATAACCTTGGCTTGTTTCGGACTTGCTC[G>A]GGAGGGTAATCACAAGCCTATTGACTACCTTAACCCACCTAAGTAAATGTGGAAACATCC-3'
Protein context (NP_000036.2, residues 298-318): AITLACFGLA[Arg308Gln]EGNHKPIDYL